The following is an entry in ClinVar:

ClinVar aggregate classification (germline): Uncertain significance (1 of 4 stars; one submission).

Conditions:
Progressive microcephaly-seizures-cortical blindness-developmental delay syndrome. Also called: Seizures, cortical blindness, and microcephaly syndrome. Identifiers: Orphanet 477814, MedGen C5567650, MONDO:0014714, OMIM 616632.
Autosomal dominant nonsyndromic hearing loss 1. Also called: DEAFNESS, AUTOSOMAL DOMINANT 1, WITH OR WITHOUT THROMBOCYTOPENIA; KONIGSMARK SYNDROME. Identifiers: Orphanet 90635, MedGen C1852282, MONDO:0007424, OMIM 124900.

Allele frequency attached by ClinVar (database versions not stated): TOPMed below 0.00001; gnomAD 0.00001.
gnomAD v4.1: 2 of 1,612,632 alleles (0.00012%); highest among the groups gnomAD compares: Admixed American, 0.0033%; no homozygotes.

Submission:

Labcorp Genetics (formerly Invitae), Labcorp
Classification: Uncertain significance for Progressive microcephaly-seizures-cortical blindness-developmental delay syndrome; Autosomal dominant nonsyndromic hearing loss 1. Last evaluated: 2023-08-04. Review status: criteria provided, single submitter. Criteria: Invitae Variant Classification Sherloc (09022015). Collection method: clinical testing. Allele origin: germline.
Comment: This sequence change replaces asparagine, which is neutral and polar, with histidine, which is basic and polar, at codon 1075 of the DIAPH1 protein (p.Asn1075His). This variant is not present in population databases (gnomAD no frequency). This variant has not been reported in the literature in individuals affected with DIAPH1-related conditions. ClinVar contains an entry for this variant (Variation ID: 1958933). An algorithm developed to predict the effect of missense changes on protein structure and function (PolyPhen-2) suggests that this variant is likely to be tolerated. In summary, the available evidence is currently insufficient to determine the role of this variant in disease. Therefore, it has been classified as a Variant of Uncertain Significance.

NM_005219.5(DIAPH1):c.3223A>C (p.Asn1075His)

Gene: DIAPH1 (diaphanous related formin 1; minus strand). Cytogenetic location: 5q31.3.
Variant type: single nucleotide variant.
Coding change: c.3223A>C on transcript NM_005219.5 (MANE Select); coding-DNA position 3223, A replaced by C.
Protein change: p.Asn1075His; replaces asparagine 1075 with histidine.
Molecular consequence: missense variant.
Genome position (GRCh38, 1-based): chr5:141,527,623, T>G on the plus strand (A>C on the coding strand, the complement: DIAPH1 is on the minus strand). VCF-style: chr5-141527623-T-G. GRCh37 (hg19) VCF-style: chr5-140907190-T-G.
Other names: c.3196A>C, p.Asn1066His (NM_001079812.3); c.3223A>C, p.Asn1075His (NM_001314007.2); short protein forms N1066H, N1075H.
Identifiers: ClinVar variation 1958933 (VCV001958933.5), dbSNP rs2099887569, ClinGen allele CA361581150.